The following is an entry in ClinVar:

NM_000890.5(KCNJ5):c.1148C>G (p.Pro383Arg)

Gene: KCNJ5 (potassium inwardly rectifying channel subfamily J member 5; plus strand). Cytogenetic location: 11q24.3.
Variant type: single nucleotide variant.
Coding change: c.1148C>G on transcript NM_000890.5 (MANE Select); coding-DNA position 1148, C replaced by G.
Protein change: p.Pro383Arg; replaces proline 383 with arginine.
Molecular consequence: missense variant.
Genome position (GRCh38, 1-based): chr11:128,916,619, C>G. VCF-style: chr11-128916619-C-G. GRCh37 (hg19) VCF-style: chr11-128786514-C-G.
Other names: c.1148C>G, p.Pro383Arg (NM_001354169.2); short protein forms P383R.
Identifiers: ClinVar variation 4800645 (VCV004800645.1).

ClinVar aggregate classification (germline): Uncertain significance (1 of 4 stars; one submission).

Conditions:
Long QT syndrome (LQTS). Identifiers: MedGen C0023976, MeSH D008133, MONDO:0002442. Disease mechanism: loss of function. Inheritance: Various modes of inheritance.

Submission:

Labcorp Genetics (formerly Invitae), Labcorp
Classification: Uncertain significance for Long QT syndrome. Last evaluated: 2025-02-16. Review status: criteria provided, single submitter. Criteria: Invitae Variant Classification Sherloc (09022015). Collection method: clinical testing. Allele origin: germline.
Comment: This sequence change replaces proline, which is neutral and non-polar, with arginine, which is basic and polar, at codon 383 of the KCNJ5 protein (p.Pro383Arg). This variant is not present in population databases (gnomAD no frequency). This variant has not been reported in the literature in individuals affected with KCNJ5-related conditions. Invitae Evidence Modeling of protein sequence and biophysical properties (such as structural, functional, and spatial information, amino acid conservation, physicochemical variation, residue mobility, and thermodynamic stability) indicates that this missense variant is not expected to disrupt KCNJ5 protein function with a negative predictive value of 95%. In summary, the available evidence is currently insufficient to determine the role of this variant in disease. Therefore, it has been classified as a Variant of Uncertain Significance.